The following is an entry in ClinVar:

ClinVar aggregate classification (germline): Uncertain significance (1 of 4 stars; one submission).

Conditions:
Intellectual developmental disorder, X-linked, syndromic 14. Also called: Syndromic X-linked intellectual disability 14. Identifiers: Orphanet 776, MedGen C1970822, MONDO:0010398, OMIM 300676.

Submission:

Labcorp Genetics (formerly Invitae), Labcorp
Classification: Uncertain significance for Intellectual developmental disorder, X-linked, syndromic 14. Last evaluated: 2025-08-04. Review status: criteria provided, single submitter. Criteria: Invitae Variant Classification Sherloc (09022015). Collection method: clinical testing. Allele origin: germline.
Comment: This sequence change replaces arginine, which is basic and polar, with glycine, which is neutral and non-polar, at codon 221 of the UPF3B protein (p.Arg221Gly). This variant is not present in population databases (gnomAD no frequency). This variant has not been reported in the literature in individuals affected with UPF3B-related conditions. Invitae Evidence Modeling of protein sequence and biophysical properties (such as structural, functional, and spatial information, amino acid conservation, physicochemical variation, residue mobility, and thermodynamic stability) indicates that this missense variant is expected to disrupt UPF3B protein function with a positive predictive value of 80%. In summary, the available evidence is currently insufficient to determine the role of this variant in disease. Therefore, it has been classified as a Variant of Uncertain Significance.

NM_080632.3(UPF3B):c.661A>G (p.Arg221Gly)

Gene: UPF3B (UPF3B regulator of nonsense mediated mRNA decay; minus strand). Cytogenetic location: Xq24.
Variant type: single nucleotide variant.
Coding change: c.661A>G on transcript NM_080632.3 (MANE Select); coding-DNA position 661, A replaced by G.
Protein change: p.Arg221Gly; replaces arginine 221 with glycine.
Molecular consequence: missense variant.
Genome position (GRCh38, 1-based): chrX:119,841,222, T>C on the plus strand (A>G on the coding strand, the complement: UPF3B is on the minus strand). VCF-style: chrX-119841222-T-C. GRCh37 (hg19) VCF-style: chrX-118975185-T-C.
Other names: c.661A>G, p.Arg221Gly (NM_023010.4); short protein forms R221G.
Identifiers: ClinVar variation 4746386 (VCV004746386.1).